The following is an entry in ClinVar:

NM_000179.3(MSH6):c.1793A>G (p.Lys598Arg)

Gene: MSH6 (mutS homolog 6; plus strand). Cytogenetic location: 2p16.3.
Variant type: single nucleotide variant.
Coding change: c.1793A>G on transcript NM_000179.3 (MANE Select); coding-DNA position 1793, A replaced by G.
Protein change: p.Lys598Arg; replaces lysine 598 with arginine.
Molecular consequence: missense variant.
Genome position (GRCh38, 1-based): chr2:47,799,776, A>G. VCF-style: chr2-47799776-A-G. GRCh37 (hg19) VCF-style: chr2-48026915-A-G.
Other names: p.K598R:AAA>AGA; c.1403A>G, p.Lys468Arg (NM_001281492.2); c.887A>G, p.Lys296Arg (NM_001281493.2, NM_001281494.2); short protein forms K598R, K296R, K468R.
Identifiers: ClinVar variation 127565 (VCV000127565.36), dbSNP rs587779919, ClinGen allele CA009214.

ClinVar aggregate classification (germline): Conflicting classifications of pathogenicity. Review status: criteria provided, conflicting classifications (1 of 4 stars). 9 submissions from 9 submitters: Uncertain significance (7); Benign (1). 1 of the submissions does not count toward it. Last evaluated 2026-01-16.

Conditions:
Hereditary nonpolyposis colorectal neoplasms. Identifiers: MedGen C0009405, MeSH D003123.
Hereditary cancer-predisposing syndrome. Also called: Hereditary Cancer Syndrome; Hereditary neoplastic syndrome; Tumor predisposition; Neoplastic Syndromes, Hereditary. Identifiers: Orphanet 140162, MedGen C0027672, MeSH D009386, MONDO:0015356.
Lynch syndrome. Identifiers: Orphanet 144, MedGen C4552100, MONDO:0005835. Disease mechanism: loss of function.
Lynch syndrome 5 (LYNCH5). Also called: Colorectal cancer, hereditary nonpolyposis, type 5; Hereditary non-polyposis colorectal cancer, type 5. Identifiers: Orphanet 144, MedGen C1833477, MONDO:0013710, OMIM 614350. Disease mechanism: loss of function.

Allele frequency attached by ClinVar (database versions not stated): gnomAD exomes below 0.00001; TOPMed below 0.00001.
gnomAD v4.1: 1 of 1,614,216 alleles (0.000062%); highest among the groups gnomAD compares: Non-Finnish European, 0.000085%; no homozygotes.

Submissions (9):

Labcorp Genetics (formerly Invitae), Labcorp
Classification: Benign for Hereditary nonpolyposis colorectal neoplasms. Last evaluated: 2026-01-16. Review status: criteria provided, single submitter. Criteria: Invitae Variant Classification Sherloc (09022015). Collection method: clinical testing. Allele origin: germline.

Ambry Genetics
Classification: Uncertain significance for Hereditary cancer-predisposing syndrome. Last evaluated: 2025-08-14. Review status: criteria provided, single submitter. Criteria: Ambry Variant Classification Scheme 2023. Collection method: clinical testing. Allele origin: germline.
Comment: The p.K598R variant (also known as c.1793A>G), located in coding exon 4 of the MSH6 gene, results from an A to G substitution at nucleotide position 1793. The lysine at codon 598 is replaced by arginine, an amino acid with highly similar properties. This alteration has been reported in a cohort of 488 patients with stages I to III breast cancer who were tested with a 25-gene panel test (Tung N et al. J. Clin. Oncol., 2016 May;34:1460-8). This amino acid position is well conserved in available vertebrate species. In addition, this alteration is predicted to be tolerated by in silico analysis. Since supporting evidence is limited at this time, the clinical significance of this alteration remains unclear.

All of Us Research Program, National Institutes of Health
Classification: Uncertain significance for Lynch syndrome. Last evaluated: 2024-08-06. Review status: criteria provided, single submitter. Criteria: ACMG Guidelines, 2015. Collection method: clinical testing. Allele origin: germline. Inheritance: Autosomal dominant inheritance. Observed: 3 variant alleles, 3 heterozygotes.
Comment: This missense variant replaces lysine with arginine at codon 598 of the MSH6 protein. Computational prediction suggests that this variant may not impact protein structure and function (internally defined REVEL score threshold <= 0.5, PMID: 27666373). To our knowledge, functional studies have not been reported for this variant. This variant has been reported in at least one individual affected with breast cancer (PMID: 26976419). This variant has not been identified in the general population by the Genome Aggregation Database (gnomAD). The available evidence is insufficient to determine the role of this variant in disease conclusively. Therefore, this variant is classified as a Variant of Uncertain Significance.

This study involves interpretation of variants in research participants for the purpose of population health screening. Participant phenotype was not available at the time of variant classification. Additional details can be found in publication PMID: 35346344, PMCID: PMC8962531

Quest Diagnostics Nichols Institute San Juan Capistrano
Classification: Uncertain significance. Last evaluated: 2023-06-08. Review status: criteria provided, single submitter. Criteria: Quest Diagnostics criteria. Collection method: clinical testing. Allele origin: unknown.
Comment: In the published literature, this variant has been reported in an individual with breast cancer (PMID: 26976419 (2016)). This variant has not been reported in large, multi-ethnic general populations (Genome Aggregation Database). Analysis of this variant using bioinformatics tools for the prediction of the effect of amino acid changes on protein structure and function yielded predictions that this variant is benign. Based on the available information, we are unable to determine the clinical significance of this variant.

Color Diagnostics, LLC DBA Color Health
Classification: Uncertain significance for Hereditary cancer-predisposing syndrome. Last evaluated: 2023-03-29. Review status: criteria provided, single submitter. Criteria: ACMG Guidelines, 2015. Collection method: clinical testing. Allele origin: germline.
Comment: This missense variant replaces lysine with arginine at codon 598 of the MSH6 protein. Computational prediction suggests that this variant may not impact protein structure and function (internally defined REVEL score threshold <= 0.5, PMID: 27666373). To our knowledge, functional studies have not been reported for this variant. This variant has been reported in at least one individual affected with breast cancer (PMID: 26976419). This variant has not been identified in the general population by the Genome Aggregation Database (gnomAD). The available evidence is insufficient to determine the role of this variant in disease conclusively. Therefore, this variant is classified as a Variant of Uncertain Significance.

Myriad Genetics, Inc.
Classification: Uncertain significance for Lynch syndrome 5. Last evaluated: 2023-03-29. Review status: criteria provided, single submitter. Criteria: Myriad Autosomal Dominant, Autosomal Recessive and X-Linked Classification Criteria (2023). Collection method: clinical testing. Allele origin: unknown.
Comment: This variant is classified as a variant of uncertain significance as there is insufficient evidence to determine its impact on protein function and/or cancer risk.

GeneDx
Classification: Uncertain significance. Last evaluated: 2022-12-23. Review status: criteria provided, single submitter. Criteria: GeneDx Variant Classification Process June 2021. Collection method: clinical testing. Allele origin: germline. Affected: yes.
Comment: Not observed in large population cohorts (gnomAD); In silico analysis supports that this missense variant does not alter protein structure/function; This variant is associated with the following publications: (PMID: 22949387, 21120944, 26976419)

Genetic Services Laboratory, University of Chicago
Classification: Uncertain significance. Last evaluated: 2017-03-24. Review status: criteria provided, single submitter. Criteria: ACMG Guidelines, 2015. Collection method: clinical testing. Allele origin: germline. Affected: no.

Counsyl
Classification: Uncertain significance for Lynch syndrome 5. Last evaluated: 2018-05-29. Review status: no assertion criteria provided. Collection method: clinical testing. Allele origin: unknown. Not counted in ClinVar's aggregate classification.

Literature cited by the submitters: PubMed 26976419 (cited by 5 submitters).